The following is an entry in ClinVar:

ClinVar aggregate classification (germline): Uncertain significance (1 of 4 stars; one submission).

Conditions:
Neuronal ceroid lipofuscinosis 2. Also called: TPP1-Related Neuronal Ceroid-Lipofuscinosis; JANSKY-BIELSCHOWSKY DISEASE NEURONAL CEROID LIPOFUSCINOSIS, LATE INFANTILE. Identifiers: Orphanet 168491, Orphanet 228349, Orphanet 79264, MedGen C1876161, MONDO:0008769, OMIM 204500.

Submission:

Dasa
Classification: Uncertain significance for Neuronal ceroid lipofuscinosis 2. Last evaluated: 2024-10-14. Review status: criteria provided, single submitter. Criteria: DASA Assertion Criteria. Collection method: clinical testing. Allele origin: germline.
Comment: NM_000391.4(TPP1):c.1297A>G (p.Ser433Gly) is a missense variant that results in the substitution of serine with glycine. This variant is absent from population databases. Computational prediction algorithms are consistent with a benign effect. The currently available literature and clinical evidence are not sufficient to establish a definitive association between this variant and the reported condition. Therefore, this variant is classified as a variant of uncertain significance.

NM_000391.4(TPP1):c.1297A>G (p.Ser433Gly)

Gene: TPP1 (tripeptidyl peptidase 1; minus strand). Cytogenetic location: 11p15.4.
Variant type: single nucleotide variant.
Coding change: c.1297A>G on transcript NM_000391.4 (MANE Select); coding-DNA position 1297, A replaced by G.
Protein change: p.Ser433Gly; replaces serine 433 with glycine.
Molecular consequence: missense variant.
Genome position (GRCh38, 1-based): chr11:6,615,299, T>C on the plus strand (A>G on the coding strand, the complement: TPP1 is on the minus strand). VCF-style: chr11-6615299-T-C. GRCh37 (hg19) VCF-style: chr11-6636530-T-C.
Other names: short protein forms S433G.
Identifiers: ClinVar variation 4882596 (VCV004882596.2).
Genomic context (GRCh38, chr11:6,615,299, plus strand): 5'-CCACATCTGGGTAGGCACGGCCACTGGCATTGAAGTAACTGGATGGTGGCAGGTGGGGGC[T>C]AGAGCTCAGGAACTTCGTTACAGCTTCCTCCTGAAAGGCATTTTTGAGTGAGTATTGGCA-3'
Protein context (NP_000382.3, residues 423-443): EEAVTKFLSS[Ser433Gly]PHLPPSSYFN